The following is an entry in ClinVar:

NM_004612.4(TGFBR1):c.521G>T (p.Gly174Val)

Gene: TGFBR1 (transforming growth factor beta receptor 1; plus strand). Cytogenetic location: 9q22.33.
Variant type: single nucleotide variant.
Coding change: c.521G>T on transcript NM_004612.4 (MANE Select); coding-DNA position 521, G replaced by T.
Protein change: p.Gly174Val; replaces glycine 174 with valine.
Molecular consequence: missense variant. On other transcripts: intron variant (1).
Genome position (GRCh38, 1-based): chr9:99,132,686, G>T. VCF-style: chr9-99132686-G-T. GRCh37 (hg19) VCF-style: chr9-101894968-G-T.
Other names: c.533G>T, p.Gly178Val (NM_001306210.2); c.343+3586G>T (NM_001130916.3); c.521G>T (NM_004612.2); short protein forms G174V, G178V.
Identifiers: ClinVar variation 12527 (VCV000012527.2), dbSNP rs121918713, ClinGen allele CA008534.
Genomic context (GRCh38, chr9:99,132,686, plus strand): 5'-TTCACCATCGAGTGCCAAATGAAGAGGACCCTTCATTAGATCGCCCTTTTATTTCAGAGG[G>T]TACTACGTTGAAAGACTTAATTTATGATATGACAACGTCAGGTTCTGGCTCAGGTAACAT-3'
Protein context (NP_004603.1, residues 164-184): PSLDRPFISE[Gly174Val]TTLKDLIYDM

ClinVar aggregate classification (germline): Uncertain significance. Review status: criteria provided, single submitter (1 of 4 stars). 2 submissions from 2 submitters: Uncertain significance (1). 1 of the submissions does not count toward it. Last evaluated 2024-08-01.

Conditions:
Loeys-Dietz syndrome 1 (LDS1). Also called: FURLONG SYNDROME; TGFBR1-Related Loeys-Dietz Syndrome; AORTIC ANEURYSM, FAMILIAL THORACIC 5. Identifiers: Orphanet 60030, MedGen C4551955, MONDO:0012212, OMIM 609192.

Allele frequency attached by ClinVar (database versions not stated): TOPMed below 0.00001; ExAC 0.00001; gnomAD exomes 0.00001.
gnomAD v4.1: 3 of 1,614,096 alleles (0.00019%); highest among the groups gnomAD compares: Admixed American, 0.005%; no homozygotes.

Submissions (2):

GeneDx
Classification: Uncertain significance. Last evaluated: 2024-08-01. Review status: criteria provided, single submitter. Criteria: GeneDx Variant Classification Process June 2021. Collection method: clinical testing. Allele origin: germline. Affected: yes.
Comment: Not observed at significant frequency in large population cohorts (gnomAD); In silico analysis supports that this missense variant has a deleterious effect on protein structure/function; This variant is associated with the following publications: (PMID: 31589614, 21358634, 18070134)

OMIM
Classification: Pathogenic for LOEYS-DIETZ SYNDROME 1. Last evaluated: 2008-03-01. Review status: no assertion criteria provided. Collection method: literature only. Allele origin: germline. Not counted in ClinVar's aggregate classification.

Literature cited by the submitters: PubMed 18070134 (cited by OMIM).